The following is an entry in ClinVar:

NM_001349253.2(SCN11A):c.2518C>T (p.Arg840Cys)

Gene: SCN11A (sodium voltage-gated channel alpha subunit 11; minus strand). Cytogenetic location: 3p22.2.
Variant type: single nucleotide variant.
Coding change: c.2518C>T on transcript NM_001349253.2 (MANE Select); coding-DNA position 2518, C replaced by T.
Protein change: p.Arg840Cys; replaces arginine 840 with cysteine.
Molecular consequence: missense variant.
Genome position (GRCh38, 1-based): chr3:38,894,850, G>A on the plus strand (C>T on the coding strand, the complement: SCN11A is on the minus strand). VCF-style: chr3-38894850-G-A. GRCh37 (hg19) VCF-style: chr3-38936341-G-A.
Other names: c.2518C>T (NM_014139.2); c.2518C>T, p.Arg840Cys (NM_014139.3); short protein forms R840C.
Identifiers: ClinVar variation 1516982 (VCV001516982.8), dbSNP rs754864849, ClinGen allele CA2322026.

ClinVar aggregate classification (germline): Conflicting classifications of pathogenicity. Review status: criteria provided, conflicting classifications (1 of 4 stars). 3 submissions from 3 submitters: Uncertain significance (1); Likely benign (2). Last evaluated 2026-03-26.

Conditions:
Inborn genetic diseases. Identifiers: MedGen C0950123, MeSH D030342.
Hereditary sensory and autonomic neuropathy type 7. Also called: HSAN VII; Neuropathy, hereditary sensory and autonomic, type VII. Identifiers: Orphanet 391397, MedGen C3809882, MONDO:0014244, OMIM 615548.
Familial episodic pain syndrome with predominantly lower limb involvement. Also called: Episodic pain syndrome, familial, 3. Identifiers: Orphanet 391384, Orphanet 391392, MedGen C3809899, MONDO:0014247, OMIM 615552.
SCN11A-related disorder. Also called: SCN11A-related condition.

Allele frequency attached by ClinVar (database versions not stated): gnomAD exomes 0.00010 and 0.00007; gnomAD 0.00003 and 0.00005; TOPMed 0.00004; ExAC 0.00007.
gnomAD v4.1: 147 of 1,614,174 alleles (0.0091%); highest among the groups gnomAD compares: East Asian, 0.25%; no homozygotes.

Submissions (3):

PreventionGenetics, part of Exact Sciences
Classification: Likely benign for SCN11A-related condition. Last evaluated: 2026-03-26. Review status: criteria provided, single submitter. Criteria: ACMG Guidelines, 2015. Collection method: clinical testing. Allele origin: germline.
Comment: This variant is classified as likely benign based on ACMG/AMP sequence variant interpretation guidelines (Richards et al. 2015 PMID: 25741868, with internal and published modifications).

Labcorp Genetics (formerly Invitae), Labcorp
Classification: Uncertain significance for Familial episodic pain syndrome with predominantly lower limb involvement; Hereditary sensory and autonomic neuropathy type 7. Last evaluated: 2024-10-22. Review status: criteria provided, single submitter. Criteria: Invitae Variant Classification Sherloc (09022015). Collection method: clinical testing. Allele origin: germline.
Comment: This sequence change replaces arginine, which is basic and polar, with cysteine, which is neutral and slightly polar, at codon 840 of the SCN11A protein (p.Arg840Cys). This variant is present in population databases (rs754864849, gnomAD 0.06%), and has an allele count higher than expected for a pathogenic variant. This variant has not been reported in the literature in individuals affected with SCN11A-related conditions. ClinVar contains an entry for this variant (Variation ID: 1516982). An algorithm developed to predict the effect of missense changes on protein structure and function outputs the following: PolyPhen-2: "Benign". The cysteine amino acid residue is found in multiple mammalian species, which suggests that this missense change does not adversely affect protein function. In summary, the available evidence is currently insufficient to determine the role of this variant in disease. Therefore, it has been classified as a Variant of Uncertain Significance.

Ambry Genetics
Classification: Likely benign for Inborn genetic diseases. Last evaluated: 2023-02-13. Review status: criteria provided, single submitter. Criteria: Ambry Variant Classification Scheme 2023. Collection method: clinical testing. Allele origin: germline.